The following is an entry in ClinVar:

ClinVar aggregate classification (germline): Uncertain significance (1 of 4 stars; one submission).

Conditions:
Menkes kinky-hair syndrome (MNK). Also called: Menkes Disease; Copper transport disease; Classic Menkes Disease. Identifiers: Orphanet 565, MedGen C0022716, MONDO:0010651, OMIM 309400.
Cutis laxa, X-linked (OHS). Also called: EDS IX; Occipital horn syndrome. Identifiers: Orphanet 198, MedGen C0268353, MONDO:0010572, OMIM 304150.
X-linked distal spinal muscular atrophy type 3. Also called: ATP7A-Related Distal Motor Neuropathy; SPINAL MUSCULAR ATROPHY, DISTAL, X-LINKED RECESSIVE; NEURONOPATHY, DISTAL HEREDITARY MOTOR, X-LINKED; NEUROPATHY, DISTAL HEREDITARY MOTOR, X-LINKED. Identifiers: Orphanet 139557, MedGen C1845359, MONDO:0010338, OMIM 300489.

Submission:

Labcorp Genetics (formerly Invitae), Labcorp
Classification: Uncertain significance for X-linked distal spinal muscular atrophy type 3; Cutis laxa, X-linked; Menkes kinky-hair syndrome. Last evaluated: 2025-10-23. Review status: criteria provided, single submitter. Criteria: Invitae Variant Classification Sherloc (09022015). Collection method: clinical testing. Allele origin: germline.
Comment: This sequence change replaces serine, which is neutral and polar, with arginine, which is basic and polar, at codon 977 of the ATP7A protein (p.Ser977Arg). This variant is not present in population databases (gnomAD no frequency). This variant has not been reported in the literature in individuals affected with ATP7A-related conditions. Invitae Evidence Modeling of protein sequence and biophysical properties (such as structural, functional, and spatial information, amino acid conservation, physicochemical variation, residue mobility, and thermodynamic stability) indicates that this missense variant is not expected to disrupt ATP7A protein function with a negative predictive value of 95%. In summary, the available evidence is currently insufficient to determine the role of this variant in disease. Therefore, it has been classified as a Variant of Uncertain Significance.

NM_000052.7(ATP7A):c.2931T>G (p.Ser977Arg)

Gene: ATP7A (ATPase copper transporting alpha; plus strand). Cytogenetic location: Xq21.1.
Variant type: single nucleotide variant.
Coding change: c.2931T>G on transcript NM_000052.7 (MANE Select); coding-DNA position 2931, T replaced by G.
Protein change: p.Ser977Arg; replaces serine 977 with arginine.
Molecular consequence: missense variant.
Genome position (GRCh38, 1-based): chrX:78,029,264, T>G. VCF-style: chrX-78029264-T-G. GRCh37 (hg19) VCF-style: chrX-77284761-T-G.
Other names: c.2697T>G, p.Ser899Arg (NM_001282224.2); short protein forms S977R, S899R.
Identifiers: ClinVar variation 4789449 (VCV004789449.1).